The following is an entry in ClinVar:

ClinVar aggregate classification (germline): Uncertain significance (1 of 4 stars; one submission).

gnomAD v4.1: 3 of 1,613,864 alleles (0.00019%); highest among the groups gnomAD compares: Non-Finnish European, 0.00025%; no homozygotes.

Submission:

Labcorp Genetics (formerly Invitae), Labcorp
Classification: Uncertain significance. Last evaluated: 2022-06-05. Review status: criteria provided, single submitter. Criteria: Invitae Variant Classification Sherloc (09022015). Collection method: clinical testing. Allele origin: germline.
Comment: This sequence change replaces lysine, which is basic and polar, with asparagine, which is neutral and polar, at codon 2327 of the MYO18B protein (p.Lys2327Asn). This variant is not present in population databases (gnomAD no frequency). This variant has not been reported in the literature in individuals affected with MYO18B-related conditions. ClinVar contains an entry for this variant (Variation ID: 1504948). Algorithms developed to predict the effect of missense changes on protein structure and function are either unavailable or do not agree on the potential impact of this missense change (SIFT: "Not Available"; PolyPhen-2: "Possibly Damaging"; Align-GVGD: "Not Available"). In summary, the available evidence is currently insufficient to determine the role of this variant in disease. Therefore, it has been classified as a Variant of Uncertain Significance.

NM_032608.7(MYO18B):c.6981A>T (p.Lys2327Asn)

Gene: MYO18B (myosin XVIIIB; plus strand). Cytogenetic location: 22q12.1.
Variant type: single nucleotide variant.
Coding change: c.6981A>T on transcript NM_032608.7 (MANE Select); coding-DNA position 6981, A replaced by T.
Protein change: p.Lys2327Asn; replaces lysine 2327 with asparagine.
Molecular consequence: missense variant.
Genome position (GRCh38, 1-based): chr22:26,026,955, A>T. VCF-style: chr22-26026955-A-T. GRCh37 (hg19) VCF-style: chr22-26422921-A-T.
Other names: c.6984A>T, p.Lys2328Asn (NM_001318245.2); short protein forms K2328N, K2327N.
Identifiers: ClinVar variation 1504948 (VCV001504948.6), dbSNP rs1194401772, ClinGen allele CA411011493.